The following is an entry in ClinVar:

ClinVar aggregate classification (germline): Uncertain significance. Review status: criteria provided, multiple submitters, no conflicts (2 of 4 stars). 2 submissions from 2 submitters: Uncertain significance (2). Last evaluated 2025-07-31.

Conditions:
Inborn genetic diseases. Identifiers: MedGen C0950123, MeSH D030342.

Allele frequency attached by ClinVar (database versions not stated): gnomAD exomes below 0.00001; gnomAD 0.00003; TOPMed 0.00005.
gnomAD v4.1: 9 of 1,613,920 alleles (0.00056%); highest among the groups gnomAD compares: African/African-American, 0.012%; no homozygotes.

Submissions (2):

Ambry Genetics
Classification: Uncertain significance for Inborn genetic diseases. Last evaluated: 2025-07-31. Review status: criteria provided, single submitter. Criteria: Ambry Variant Classification Scheme 2023. Collection method: clinical testing. Allele origin: germline.

Labcorp Genetics (formerly Invitae), Labcorp
Classification: Uncertain significance. Last evaluated: 2025-06-12. Review status: criteria provided, single submitter. Criteria: Invitae Variant Classification Sherloc (09022015). Collection method: clinical testing. Allele origin: germline.
Comment: This sequence change replaces glutamine, which is neutral and polar, with arginine, which is basic and polar, at codon 392 of the PBX1 protein (p.Gln392Arg). This variant is present in population databases (no rsID available, gnomAD 0.01%). This variant has not been reported in the literature in individuals affected with PBX1-related conditions. ClinVar contains an entry for this variant (Variation ID: 3014327). An algorithm developed to predict the effect of missense changes on protein structure and function (PolyPhen-2) suggests that this variant is likely to be tolerated. In summary, the available evidence is currently insufficient to determine the role of this variant in disease. Therefore, it has been classified as a Variant of Uncertain Significance.

NM_002585.4(PBX1):c.1175A>G (p.Gln392Arg)

Gene: PBX1 (PBX homeobox 1; plus strand). Cytogenetic location: 1q23.3.
Variant type: single nucleotide variant.
Coding change: c.1175A>G on transcript NM_002585.4 (MANE Select); coding-DNA position 1175, A replaced by G.
Protein change: p.Gln392Arg; replaces glutamine 392 with arginine.
Molecular consequence: missense variant. On other transcripts: 3 prime UTR variant (2).
Genome position (GRCh38, 1-based): chr1:164,821,601, A>G. VCF-style: chr1-164821601-A-G. GRCh37 (hg19) VCF-style: chr1-164790838-A-G.
Other names: c.*18A>G (NM_001204961.2, NM_001353131.2); c.1175A>G, p.Gln392Arg (NM_001204963.2); c.926A>G, p.Gln309Arg (NM_001353130.1); c.1175A>G (NM_002585.3); short protein forms Q392R, Q309R.
Identifiers: ClinVar variation 3014327 (VCV003014327.4), dbSNP rs1251320270, ClinGen allele CA343472275.